The following is an entry in ClinVar:

ClinVar aggregate classification (germline): Uncertain significance (1 of 4 stars; one submission).

gnomAD v4.1: 6 of 1,581,664 alleles (0.00038%); highest among the groups gnomAD compares: African/African-American, 0.0014%; no homozygotes.

Submission:

Labcorp Genetics (formerly Invitae), Labcorp
Classification: Uncertain significance. Last evaluated: 2021-04-25. Review status: criteria provided, single submitter. Criteria: Invitae Variant Classification Sherloc (09022015). Collection method: clinical testing. Allele origin: germline.
Comment: In summary, the available evidence is currently insufficient to determine the role of this variant in disease. Therefore, it has been classified as a Variant of Uncertain Significance. Algorithms developed to predict the effect of missense changes on protein structure and function output the following: SIFT: "Tolerated"; PolyPhen-2: "Benign"; Align-GVGD: "Class C0". The leucine amino acid residue is found in multiple mammalian species, suggesting that this missense change does not adversely affect protein function. These predictions have not been confirmed by published functional studies and their clinical significance is uncertain. This variant has not been reported in the literature in individuals with ARHGEF1-related conditions. This variant is not present in population databases (ExAC no frequency). This sequence change replaces arginine with leucine at codon 866 of the ARHGEF1 protein (p.Arg866Leu). The arginine residue is weakly conserved and there is a moderate physicochemical difference between arginine and leucine.

NM_004706.4(ARHGEF1):c.2552G>T (p.Arg851Leu)

Gene: ARHGEF1 (Rho guanine nucleotide exchange factor 1; plus strand). Cytogenetic location: 19q13.2.
Variant type: single nucleotide variant.
Coding change: c.2552G>T on transcript NM_004706.4 (MANE Select); coding-DNA position 2552, G replaced by T.
Protein change: p.Arg851Leu; replaces arginine 851 with leucine.
Molecular consequence: missense variant.
Genome position (GRCh38, 1-based): chr19:41,906,517, G>T. VCF-style: chr19-41906517-G-T. GRCh37 (hg19) VCF-style: chr19-42410669-G-T.
Other names: c.2453G>T, p.Arg818Leu (NM_198977.2); c.2597G>T, p.Arg866Leu (NM_199002.2); short protein forms R818L, R866L, R851L.
Identifiers: ClinVar variation 1472449 (VCV001472449.8), dbSNP rs370594565, ClinGen allele CA406069661.
Genomic context (GRCh38, chr19:41,906,517, plus strand): 5'-TGCTGTCCCTGAAGCAGCTTCTGTTTCCGGCGGAGGAAGACAATGGGGCGGGGCCTCCTC[G>T]AGATGGGGATGGGGTCCCAGGGGGCGGCCCCCTGAGCCCAGCACGGACCCAGGAAATCCA-3'
Protein context (NP_004697.2, residues 841-861): AEEDNGAGPP[Arg851Leu]DGDGVPGGGP